The following is an entry in ClinVar:

ClinVar aggregate classification (germline): Likely benign (1 of 4 stars; one submission).

Submission:

CeGaT Center for Human Genetics Tuebingen
Classification: Likely benign. Last evaluated: 2022-11-01. Review status: criteria provided, single submitter. Criteria: CeGaT Center For Human Genetics Tuebingen Variant Classification Criteria Version 2. Collection method: clinical testing. Allele origin: germline. Affected: yes. Observed: 1 variant allele.
Comment: SRRM2: BP4

NM_016333.4(SRRM2):c.6955A>C (p.Thr2319Pro)

Gene: SRRM2 (serine/arginine repetitive matrix 2; plus strand). Cytogenetic location: 16p13.3.
Variant type: single nucleotide variant.
Coding change: c.6955A>C on transcript NM_016333.4 (MANE Select); coding-DNA position 6955, A replaced by C.
Protein change: p.Thr2319Pro; replaces threonine 2319 with proline.
Molecular consequence: missense variant.
Genome position (GRCh38, 1-based): chr16:2,767,483, A>C. VCF-style: chr16-2767483-A-C. GRCh37 (hg19) VCF-style: chr16-2817484-A-C.
Other names: short protein forms T2319P.
Identifiers: ClinVar variation 2646080 (VCV002646080.24), dbSNP rs1018025430, ClinGen allele CA276886120.